The following is an entry in ClinVar:

NM_001267550.2(TTN):c.48952A>G (p.Ile16318Val)

Genes: TTN (titin; minus strand), TTN-AS1 (TTN antisense RNA 1; plus strand), LOC126806426 (BRD4-independent group 4 enhancer GRCh37_chr2:179478848-179480047; plus strand). Cytogenetic location: 2q31.2.
Variant type: single nucleotide variant.
Coding change: c.48952A>G on transcript NM_001267550.2 (MANE Select); coding-DNA position 48952, A replaced by G.
Protein change: p.Ile16318Val; replaces isoleucine 16318 with valine.
Molecular consequence: missense variant. On other transcripts: non-coding transcript variant (1).
Genome position (GRCh38, 1-based): chr2:178,614,562, T>C on the plus strand (A>G on the coding strand, the complement: TTN is on the minus strand). VCF-style: chr2-178614562-T-C. GRCh37 (hg19) VCF-style: chr2-179479289-T-C.
Other names: c.44029A>G, p.Ile14677Val (NM_001256850.1); c.21757A>G, p.Ile7253Val (NM_003319.4); c.41248A>G, p.Ile13750Val (NM_133378.4); c.22132A>G, p.Ile7378Val (NM_133432.3); c.22333A>G, p.Ile7445Val (NM_133437.4); short protein forms I14677V, I16318V, I13750V, I7378V, I7445V, I7253V.
Identifiers: ClinVar variation 515181 (VCV000515181.1), dbSNP rs962564634, ClinGen allele CA349607301.

ClinVar aggregate classification (germline): Likely benign (1 of 4 stars; one submission).

Allele frequency attached by ClinVar (database versions not stated): gnomAD exomes below 0.00001.
gnomAD v4.1: 5 of 1,612,406 alleles (0.00031%); highest among the groups gnomAD compares: South Asian, 0.0033%; no homozygotes.

Submission:

GeneDx
Classification: Likely benign. Last evaluated: 2018-01-25. Review status: criteria provided, single submitter. Criteria: GeneDx Variant Classification (06012015). Collection method: clinical testing. Allele origin: germline. Affected: yes.
Comment: This variant is considered likely benign or benign based on one or more of the following criteria: it is a conservative change, it occurs at a poorly conserved position in the protein, it is predicted to be benign by multiple in silico algorithms, and/or has population frequency not consistent with disease.